The following is an entry in ClinVar:

ClinVar aggregate classification (germline): Uncertain significance (1 of 4 stars; one submission).

gnomAD v4.1: 8 of 1,613,804 alleles (0.0005%); highest among the groups gnomAD compares: Non-Finnish European, 0.00051%; no homozygotes.

Submission:

CeGaT Center for Human Genetics Tuebingen
Classification: Uncertain significance. Last evaluated: 2025-03-01. Review status: criteria provided, single submitter. Criteria: CeGaT Center For Human Genetics Tuebingen Variant Classification Criteria Version 2. Collection method: clinical testing. Allele origin: germline. Affected: yes. Observed: 1 variant allele.
Comment: SLC12A1: PM2

NM_000338.3(SLC12A1):c.337G>C (p.Glu113Gln)

Gene: SLC12A1 (solute carrier family 12 member 1; plus strand). Cytogenetic location: 15q21.1.
Variant type: single nucleotide variant.
Coding change: c.337G>C on transcript NM_000338.3 (MANE Select); coding-DNA position 337, G replaced by C.
Protein change: p.Glu113Gln; replaces glutamic acid 113 with glutamine.
Molecular consequence: missense variant.
Genome position (GRCh38, 1-based): chr15:48,208,056, G>C. VCF-style: chr15-48208056-G-C. GRCh37 (hg19) VCF-style: chr15-48500253-G-C.
Other names: c.337G>C, p.Glu113Gln (NM_001184832.2, NM_001384136.1); short protein forms E113Q.
Identifiers: ClinVar variation 3778105 (VCV003778105.7).